The following is an entry in ClinVar:

NM_001005361.3(DNM2):c.1873G>A (p.Val625Ile)

Gene: DNM2 (dynamin 2; plus strand). Cytogenetic location: 19p13.2.
Variant type: single nucleotide variant.
Coding change: c.1873G>A on transcript NM_001005361.3 (MANE Select); coding-DNA position 1873, G replaced by A.
Protein change: p.Val625Ile; replaces valine 625 with isoleucine.
Molecular consequence: missense variant.
Genome position (GRCh38, 1-based): chr19:10,823,879, G>A. VCF-style: chr19-10823879-G-A. GRCh37 (hg19) VCF-style: chr19-10934555-G-A.
Other names: c.1861G>A, p.Val621Ile (NM_004945.4, NM_001005362.3); c.1873G>A, p.Val625Ile (NM_001005360.3, NM_001190716.2); short protein forms V621I, V625I.
Identifiers: ClinVar variation 1045441 (VCV001045441.10), dbSNP rs759242886, ClinGen allele CA9201423.

ClinVar aggregate classification (germline): Conflicting classifications of pathogenicity. Review status: criteria provided, conflicting classifications (1 of 4 stars). 4 submissions from 4 submitters: Uncertain significance (2); Likely benign (2). Last evaluated 2026-01-08.

Conditions:
Charcot-Marie-Tooth disease dominant intermediate B (CMTDIB). Also called: CHARCOT-MARIE-TOOTH NEUROPATHY, DOMINANT INTERMEDIATE B; Charcot-Marie-Tooth disease dominant intermediate 1; CMT DI1; Charcot-Marie-Tooth disease dominant intermediate I. Identifiers: Orphanet 100044, Orphanet 228179, MedGen C1847902, MONDO:0011674, OMIM 606482.
DNM2-related disorder. Also called: DNM2-related condition.
Inborn genetic diseases. Identifiers: MedGen C0950123, MeSH D030342.

Allele frequency attached by ClinVar (database versions not stated): gnomAD 0.00002 and 0.00003; gnomAD exomes 0.00002 and 0.00004; ExAC 0.00003; TOPMed 0.00008.
gnomAD v4.1: 30 of 1,613,574 alleles (0.0019%); highest among the groups gnomAD compares: African/African-American, 0.024%; no homozygotes.

Submissions (4):

Labcorp Genetics (formerly Invitae), Labcorp
Classification: Likely benign for Charcot-Marie-Tooth disease dominant intermediate B. Last evaluated: 2026-01-08. Review status: criteria provided, single submitter. Criteria: Invitae Variant Classification Sherloc (09022015). Collection method: clinical testing. Allele origin: germline.

PreventionGenetics, part of Exact Sciences
Classification: Uncertain significance for DNM2-related condition. Last evaluated: 2025-11-12. Review status: criteria provided, single submitter. Criteria: ACMG Guidelines, 2015. Collection method: clinical testing. Allele origin: germline.
Comment: The DNM2 c.1873G>A variant is predicted to result in the amino acid substitution p.Val625Ile. To our knowledge, this variant has not been reported in the literature. This variant is reported in 0.024% of alleles in individuals of African descent in gnomAD. At this time, the clinical significance of this variant is uncertain due to the absence of conclusive functional and genetic evidence.

Revvity Omics, Revvity
Classification: Uncertain significance. Last evaluated: 2023-08-31. Review status: criteria provided, single submitter. Criteria: ACMG Guidelines, 2015. Collection method: clinical testing. Allele origin: germline.

Ambry Genetics
Classification: Likely benign for Inborn genetic diseases. Last evaluated: 2021-02-04. Review status: criteria provided, single submitter. Criteria: Ambry Variant Classification Scheme 2023. Collection method: clinical testing. Allele origin: germline.